The following is an entry in ClinVar:

ClinVar aggregate classification (germline): Likely benign. Review status: criteria provided, multiple submitters, no conflicts (2 of 4 stars). 3 submissions from 3 submitters: Likely benign (2). 1 of the submissions does not count toward it. Last evaluated 2025-05-15.

Conditions:
KIF11-related disorder. Also called: KIF11-related condition.

Allele frequency attached by ClinVar (database versions not stated): TOPMed 0.00008; gnomAD 0.00009; ExAC 0.00011; gnomAD exomes 0.00012 and 0.00018; ESP Exome Variant Server 0.00015.
gnomAD v4.1: 273 of 1,612,170 alleles (0.017%); highest among the groups gnomAD compares: Non-Finnish European, 0.023%; no homozygotes.

Submissions (3):

Labcorp Genetics (formerly Invitae), Labcorp
Classification: Likely benign. Last evaluated: 2025-05-15. Review status: criteria provided, single submitter. Criteria: Invitae Variant Classification Sherloc (09022015). Collection method: clinical testing. Allele origin: germline.

Blueprint Genetics
Classification: Likely benign. Last evaluated: 2023-09-08. Review status: criteria provided, single submitter. Criteria: ACMG Guidelines, 2015. Collection method: clinical testing. Allele origin: germline.

PreventionGenetics, part of Exact Sciences
Classification: Likely benign for KIF11-related condition. Last evaluated: 2019-06-25. Review status: no assertion criteria provided. Collection method: clinical testing. Allele origin: germline. Not counted in ClinVar's aggregate classification.
Comment: This variant is classified as likely benign based on ACMG/AMP sequence variant interpretation guidelines (Richards et al. 2015 PMID: 25741868, with internal and published modifications).

NM_004523.4(KIF11):c.2952G>A (p.Gly984=)

Gene: KIF11 (kinesin family member 11; plus strand). Cytogenetic location: 10q23.33.
Variant type: single nucleotide variant.
Coding change: c.2952G>A on transcript NM_004523.4 (MANE Select); coding-DNA position 2952, G replaced by A.
Protein change: p.Gly984=; no amino-acid change (glycine 984 retained).
Molecular consequence: synonymous variant.
Genome position (GRCh38, 1-based): chr10:92,650,430, G>A. VCF-style: chr10-92650430-G-A. GRCh37 (hg19) VCF-style: chr10-94410187-G-A.
Identifiers: ClinVar variation 760496 (VCV000760496.13), dbSNP rs369906299, ClinGen allele CA5604508.